The following is an entry in ClinVar:

ClinVar aggregate classification (germline): Uncertain significance (1 of 4 stars; one submission).

Submission:

Ambry Genetics
Classification: Uncertain significance. Last evaluated: 2025-03-22. Review status: criteria provided, single submitter. Criteria: Ambry Variant Classification Scheme 2023. Collection method: clinical testing. Allele origin: germline.
Comment: The p.Q362E variant (also known as c.1084C>G), located in coding exon 10 of the SRP72 gene, results from a C to G substitution at nucleotide position 1084. The glutamine at codon 362 is replaced by glutamic acid, an amino acid with highly similar properties. This amino acid position is conserved. In addition, this alteration is predicted to be tolerated by in silico analysis. Based on the available evidence, the clinical significance of this variant remains unclear.

NM_006947.4(SRP72):c.1084C>G (p.Gln362Glu)

Gene: SRP72 (signal recognition particle 72; plus strand). Cytogenetic location: 4q12.
Variant type: single nucleotide variant.
Coding change: c.1084C>G on transcript NM_006947.4 (MANE Select); coding-DNA position 1084, C replaced by G.
Protein change: p.Gln362Glu; replaces glutamine 362 with glutamic acid.
Molecular consequence: missense variant. On other transcripts: non-coding transcript variant (1).
Genome position (GRCh38, 1-based): chr4:56,484,862, C>G. VCF-style: chr4-56484862-C-G. GRCh37 (hg19) VCF-style: chr4-57351028-C-G.
Other names: c.901C>G, p.Gln301Glu (NM_001267722.2); short protein forms Q301E, Q362E.
Identifiers: ClinVar variation 3962035 (VCV003962035.1).
Genomic context (GRCh38, chr4:56,484,862, plus strand): 5'-TTAATCCAAGCTGCCCAGCTCTGCCGTGAAAAGCAGCACACAAAAGCAATAGAGCTGCTT[C>G]AGGTAAAATAATTACTTGAATGAGGTGTCAGACATTTGCAGCTTTGTTTCATTTTCATTG-3'
Protein context (NP_008878.3, residues 352-372): KQHTKAIELL[Gln362Glu]EFSDQHPENA